The following is an entry in ClinVar:

ClinVar aggregate classification (germline): Pathogenic. Review status: criteria provided, single submitter (1 of 4 stars). 2 submissions from 2 submitters: Pathogenic (1). 1 of the submissions does not count toward it. Last evaluated 2019-01-25.

Conditions:
Hereditary spastic paraplegia 46. Also called: Spastic paraplegia 46, autosomal recessive. Identifiers: Orphanet 320391, MedGen C2828721, MONDO:0013737, OMIM 614409.

Submissions (2):

SIB Swiss Institute of Bioinformatics
Classification: Pathogenic for Hereditary spastic paraplegia 46. Last evaluated: 2019-01-25. Review status: criteria provided, single submitter. Criteria: ACMG Guidelines, 2015. Collection method: curation. Allele origin: unknown.
Comment: This variant is interpreted as a Pathogenic for Spastic paraplegia 46, autosomal recessive. The following ACMG Tag(s) were applied: PM2 : Absent from controls (or at extremely low frequency if recessive) in Exome Sequencing Project, 1000 Genomes Project, or Exome Aggregation Consortium. PS3-Moderate : PS3 downgraded in strength to Moderate (PMID:26220345). PVS1 : Predicted nullvariant in a gene where LOF is a known mechanism of disease. PP1 : Cosegregation with disease in multiple affected family members in a gene definitively known to cause the disease (PMID:23332917).

OMIM
Classification: Pathogenic for SPASTIC PARAPLEGIA 46, AUTOSOMAL RECESSIVE. Last evaluated: 2013-02-07. Review status: no assertion criteria provided. Collection method: literature only. Allele origin: germline. Not counted in ClinVar's aggregate classification.

Literature cited by the submitters: PubMed 23332917 (cited by SIB Swiss Institute of Bioinformatics and OMIM); PubMed 26220345 (cited by SIB Swiss Institute of Bioinformatics).

NM_020944.3(GBA2):c.363C>A (p.Tyr121Ter)

Gene: GBA2 (glucosylceramidase beta 2; minus strand). Cytogenetic location: 9p13.3.
Variant type: single nucleotide variant.
Coding change: c.363C>A on transcript NM_020944.3 (MANE Select); coding-DNA position 363, C replaced by A.
Protein change: p.Tyr121Ter; replaces tyrosine 121 with a stop codon.
Molecular consequence: nonsense.
Genome position (GRCh38, 1-based): chr9:35,744,703, G>T on the plus strand (C>A on the coding strand, the complement: GBA2 is on the minus strand). VCF-style: chr9-35744703-G-T. GRCh37 (hg19) VCF-style: chr9-35744700-G-T.
Other names: c.363C>A, p.Tyr121Ter (NM_001330660.2); short protein forms Y121*.
Identifiers: ClinVar variation 638293 (VCV000638293.3), dbSNP rs1588023668, ClinGen allele CA373419691.
Genomic context (GRCh38, chr9:35,744,703, plus strand): 5'-GATCATGTCGATGAAAGGTGTCTTCTTTTCCACATGGGTCTTCCGGTACCACCACTGCAG[G>T]TACCTGAGGAGCAAGAGGCAATGTGAGTGGAAGGGGGCAGGTGGGCAGCTGTTCACAGGC-3'